The following is an entry in ClinVar:

NM_016356.5(DCDC2):c.1423G>A (p.Val475Met)

Gene: DCDC2 (doublecortin domain containing 2; minus strand). Cytogenetic location: 6p22.3.
Variant type: single nucleotide variant.
Coding change: c.1423G>A on transcript NM_016356.5 (MANE Select); coding-DNA position 1423, G replaced by A.
Protein change: p.Val475Met; replaces valine 475 with methionine.
Molecular consequence: missense variant.
Genome position (GRCh38, 1-based): chr6:24,174,738, C>T on the plus strand (G>A on the coding strand, the complement: DCDC2 is on the minus strand). VCF-style: chr6-24174738-C-T. GRCh37 (hg19) VCF-style: chr6-24174966-C-T.
Other names: p.Val475Met; c.1423G>A, p.Val475Met (NM_001195610.2); short protein forms V475M.
Identifiers: ClinVar variation 593401 (VCV000593401.44), dbSNP rs145154884, ClinGen allele CA3654430.
Genomic context (GRCh38, chr6:24,174,738, plus strand): 5'-TGATAACCCTTCATTTTTCTTGCGATCCATATACTCTCTTTTTAAAAATGTTCTAAGCCA[C>T]GGCAGCATAGTCCTTGTTTTGTTGGTTGTTTTCATTTTCTTCTGGACTGGTAATTTTTAC-3'
Protein context (NP_057440.2, residues 465-476): NNQQNKDYAA[Val475Met]A

ClinVar aggregate classification (germline): Conflicting classifications of pathogenicity. Review status: criteria provided, conflicting classifications (1 of 4 stars). 6 submissions from 6 submitters: Uncertain significance (3); Likely benign (2). 1 of the submissions does not count toward it. Last evaluated 2022-12-28.

Conditions:
Autosomal recessive nonsyndromic hearing loss 66 (DFNB66). Also called: Deafness, autosomal recessive 66. Identifiers: Orphanet 90636, MedGen C1857750, MONDO:0012442, OMIM 610212.
Isolated neonatal sclerosing cholangitis (NSC). Also called: Sclerosing cholangitis, neonatal. Identifiers: Orphanet 480556, MedGen C4479344, MONDO:0018816, OMIM 617394.
DCDC2-related disorder. Also called: DCDC2-related condition.

Allele frequency attached by ClinVar (database versions not stated): gnomAD exomes 0.00024; ExAC 0.00030; gnomAD 0.00057 and 0.00062; TOPMed 0.00058; 1000 Genomes Project 30x 0.00078; 1000 Genomes Project 0.00100; ESP Exome Variant Server 0.00115.
gnomAD v4.1: 206 of 1,611,036 alleles (0.013%); highest among the groups gnomAD compares: African/African-American, 0.15%; no homozygotes.

Submissions (6):

Mayo Clinic Laboratories, Mayo Clinic
Classification: Uncertain significance. Last evaluated: 2022-12-28. Review status: criteria provided, single submitter. Criteria: ACMG Guidelines, 2015. Collection method: clinical testing. Allele origin: germline. Observed: 1 variant allele.
Comment: BP4

Labcorp Genetics (formerly Invitae), Labcorp
Classification: Uncertain significance for Autosomal recessive nonsyndromic hearing loss 66; Isolated neonatal sclerosing cholangitis. Last evaluated: 2022-07-12. Review status: criteria provided, single submitter. Criteria: Invitae Variant Classification Sherloc (09022015). Collection method: clinical testing. Allele origin: germline.
Comment: This sequence change replaces valine, which is neutral and non-polar, with methionine, which is neutral and non-polar, at codon 475 of the DCDC2 protein (p.Val475Met). This variant is present in population databases (rs145154884, gnomAD 0.2%). This variant has not been reported in the literature in individuals affected with DCDC2-related conditions. ClinVar contains an entry for this variant (Variation ID: 593401). Algorithms developed to predict the effect of missense changes on protein structure and function are either unavailable or do not agree on the potential impact of this missense change (SIFT: "Deleterious"; PolyPhen-2: "Possibly Damaging"; Align-GVGD: "Class C0"). In summary, the available evidence is currently insufficient to determine the role of this variant in disease. Therefore, it has been classified as a Variant of Uncertain Significance.

CeGaT Center for Human Genetics Tuebingen
Classification: Likely benign. Last evaluated: 2022-07-01. Review status: criteria provided, single submitter. Criteria: CeGaT Center For Human Genetics Tuebingen Variant Classification Criteria Version 2. Collection method: clinical testing. Allele origin: germline. Affected: yes. Observed: 1 variant allele.
Comment: DCDC2: BP4

GeneDx
Classification: Likely benign. Last evaluated: 2020-10-01. Review status: criteria provided, single submitter. Criteria: GeneDx Variant Classification Process June 2021. Collection method: clinical testing. Allele origin: germline. Affected: yes.

Eurofins Ntd Llc (ga)
Classification: Uncertain significance. Last evaluated: 2018-05-17. Review status: criteria provided, single submitter. Criteria: EGL ClinVar v180209 classification definitions. Collection method: clinical testing. Allele origin: germline. Observed: 4 variant alleles, 4 heterozygotes.

PreventionGenetics, part of Exact Sciences
Classification: Likely benign for DCDC2-related condition. Last evaluated: 2022-02-17. Review status: no assertion criteria provided. Collection method: clinical testing. Allele origin: germline. Not counted in ClinVar's aggregate classification.
Comment: This variant is classified as likely benign based on ACMG/AMP sequence variant interpretation guidelines (Richards et al. 2015 PMID: 25741868, with internal and published modifications).